The following is an entry in ClinVar:

ClinVar aggregate classification (germline): Pathogenic/Likely pathogenic. Review status: criteria provided, multiple submitters, no conflicts (2 of 4 stars). 5 submissions from 5 submitters: Pathogenic (2); Likely pathogenic (3). Last evaluated 2026-06-08.

Conditions:
CEP290-related ciliopathy. Also called: CEP290 ciliopathy. Identifiers: MedGen CN305601, MONDO:0100451.
CEP290-related disorder. Also called: CEP290-related condition; CEP290-related disorders. Identifiers: MedGen CN239314.
Meckel syndrome, type 4 (MKS4). Also called: MECKEL-GRUBER SYNDROME, TYPE 4. Identifiers: Orphanet 564, MedGen C1970161, MONDO:0012626, OMIM 611134.
Bardet-Biedl syndrome 14 (BBS14). Identifiers: Orphanet 110, MedGen C2673874, MONDO:0014442, OMIM 615991.
Meckel-Gruber syndrome. Also called: DYSENCEPHALIA SPLANCHNOCYSTICA; GRUBER SYNDROME; Dysencephalia splachnocystica. Identifiers: Orphanet 564, MedGen C0265215, MONDO:0018921.
Nephronophthisis. Also called: Juvenile Nephronophthisis. Identifiers: Orphanet 655, MedGen C0687120, MONDO:0019005, HP:0000090.
Joubert syndrome. Also called: Familial aplasia of the vermis; JOUBERT-BOLTSHAUSER SYNDROME. Identifiers: Orphanet 475, MedGen C5979921, MONDO:0018772.

Submissions (5):

Women's Health and Genetics/Laboratory Corporation of America, LabCorp
Classification: Pathogenic for Meckel syndrome, type 4. Last evaluated: 2026-06-08. Review status: criteria provided, single submitter. Criteria: LabCorp Variant Classification Summary - May 2015. Collection method: clinical testing. Allele origin: germline.
Comment: Variant summary: CEP290 c.1616delT (p.Leu539X) results in a premature termination codon, predicted to cause a truncation of the encoded protein or absence of the protein due to nonsense mediated decay, which are commonly known mechanisms for disease. The variant was absent in 248848 control chromosomes. To our knowledge, no occurrence of c.1616delT in individuals affected with CEP290-related conditions and no experimental evidence demonstrating its impact on protein function have been reported. ClinVar contains an entry for this variant (Variation ID: 1986597). Based on the evidence outlined above, the variant was classified as pathogenic.

PreventionGenetics, part of Exact Sciences
Classification: Likely pathogenic for CEP290-related condition. Last evaluated: 2026-04-14. Review status: criteria provided, single submitter. Criteria: ACMG Guidelines, 2015. Collection method: clinical testing. Allele origin: germline.
Comment: The CEP290 c.1616delT variant is predicted to result in premature protein termination (p.Leu539*). To our knowledge, this variant has not been reported in the literature or in a large population database (gnomAD), indicating this variant is rare. Nonsense variants in CEP290 are expected to be pathogenic. This variant is interpreted as likely pathogenic.

Medical and Scientific Branch, Hong Kong Genome Institute
Classification: Likely pathogenic for CEP290-related ciliopathy. Last evaluated: 2026-01-26. Review status: criteria provided, single submitter. Criteria: ACMG Guidelines, 2015. Collection method: clinical testing. Allele origin: unknown. Affected: yes.

Labcorp Genetics (formerly Invitae), Labcorp
Classification: Pathogenic for Joubert syndrome; Meckel-Gruber syndrome; Nephronophthisis. Last evaluated: 2022-09-28. Review status: criteria provided, single submitter. Criteria: Invitae Variant Classification Sherloc (09022015). Collection method: clinical testing. Allele origin: germline.
Comment: This variant has not been reported in the literature in individuals affected with CEP290-related conditions. This variant is not present in population databases (gnomAD no frequency). This sequence change creates a premature translational stop signal (p.Leu539*) in the CEP290 gene. It is expected to result in an absent or disrupted protein product. Loss-of-function variants in CEP290 are known to be pathogenic (PMID: 16909394, 17345604, 20690115). For these reasons, this variant has been classified as Pathogenic.

Baylor Genetics
Classification: Likely pathogenic for Bardet-Biedl syndrome 14. Last evaluated: 2022-08-04. Review status: criteria provided, single submitter. Criteria: ACMG Guidelines, 2015. Collection method: clinical testing. Allele origin: unknown.

Literature cited by the submitters: PubMed 16909394 (cited by Labcorp Genetics (formerly Invitae), Labcorp); PubMed 17345604 (cited by Labcorp Genetics (formerly Invitae), Labcorp); PubMed 20690115 (cited by Labcorp Genetics (formerly Invitae), Labcorp).

NM_025114.4(CEP290):c.1616del (p.Leu538_Leu539insTer)

Gene: CEP290 (centrosomal protein 290; minus strand). Cytogenetic location: 12q21.32.
Variant type: Deletion.
Coding change: c.1616del on transcript NM_025114.4 (MANE Select); coding-DNA position 1616, one base deleted (T; older notation c.1616delT).
Protein change: p.Leu538_Leu539insTer.
Molecular consequence: nonsense.
Genome position (GRCh38, 1-based): chr12:88,118,650, A deleted on the plus strand (T on the coding strand, the reverse complement: CEP290 is on the minus strand); the first of 4 consecutive A bases (chr12:88,118,650-88,118,653); deleting any one gives the same sequence. VCF-style (leftmost placement, unchanged base first): chr12-88118649-CA-C. GRCh37 (hg19) VCF-style: chr12-88512426-CA-C.
Other names: c.1616delT (NM_025114.4, NM_025114.3).
Identifiers: ClinVar variation 1986597 (VCV001986597.8), dbSNP rs1346690922, ClinGen allele CA693041155.